The following is an entry in ClinVar:

ClinVar aggregate classification (germline): Uncertain significance (1 of 4 stars; one submission).

Allele frequency attached by ClinVar (database versions not stated): TOPMed below 0.00001.
gnomAD v4.1: 32 of 1,614,056 alleles (0.002%); highest among the groups gnomAD compares: East Asian, 0.045%; no homozygotes.

Submission:

Labcorp Genetics (formerly Invitae), Labcorp
Classification: Uncertain significance. Last evaluated: 2022-11-22. Review status: criteria provided, single submitter. Criteria: Invitae Variant Classification Sherloc (09022015). Collection method: clinical testing. Allele origin: germline.
Comment: In summary, the available evidence is currently insufficient to determine the role of this variant in disease. Therefore, it has been classified as a Variant of Uncertain Significance. Advanced modeling of protein sequence and biophysical properties (such as structural, functional, and spatial information, amino acid conservation, physicochemical variation, residue mobility, and thermodynamic stability) performed at Invitae indicates that this missense variant is not expected to disrupt SLCO2A1 protein function. ClinVar contains an entry for this variant (Variation ID: 1418645). This variant has not been reported in the literature in individuals affected with SLCO2A1-related conditions. This variant is present in population databases (rs758128252, gnomAD 0.01%). This sequence change replaces arginine, which is basic and polar, with cysteine, which is neutral and slightly polar, at codon 389 of the SLCO2A1 protein (p.Arg389Cys).

NM_005630.3(SLCO2A1):c.1165C>T (p.Arg389Cys)

Gene: SLCO2A1 (solute carrier organic anion transporter family member 2A1; minus strand). Cytogenetic location: 3q22.1.
Variant type: single nucleotide variant.
Coding change: c.1165C>T on transcript NM_005630.3 (MANE Select); coding-DNA position 1165, C replaced by T.
Protein change: p.Arg389Cys; replaces arginine 389 with cysteine.
Molecular consequence: missense variant.
Genome position (GRCh38, 1-based): chr3:133,947,386, G>A on the plus strand (C>T on the coding strand, the complement: SLCO2A1 is on the minus strand). VCF-style: chr3-133947386-G-A. GRCh37 (hg19) VCF-style: chr3-133666230-G-A.
Other names: short protein forms R389C.
Identifiers: ClinVar variation 1418645 (VCV001418645.8), dbSNP rs758128252, ClinGen allele CA2626550.